The following is an entry in ClinVar:

ClinVar aggregate classification (germline): Likely benign (1 of 4 stars; one submission).

Allele frequency attached by ClinVar (database versions not stated): TOPMed 0.00002; ExAC 0.00003; gnomAD 0.00003; ESP Exome Variant Server 0.00012.
gnomAD v4.1: 19 of 1,612,854 alleles (0.0012%); highest among the groups gnomAD compares: Middle Eastern, 0.016%; no homozygotes.

Submission:

CeGaT Center for Human Genetics Tuebingen
Classification: Likely benign. Last evaluated: 2024-02-01. Review status: criteria provided, single submitter. Criteria: CeGaT Center For Human Genetics Tuebingen Variant Classification Criteria Version 2. Collection method: clinical testing. Allele origin: germline. Affected: yes. Observed: 1 variant allele.
Comment: SKIC2: BP4

NM_006929.5(SKIC2):c.3116G>A (p.Arg1039Gln)

Gene: SKIC2 (SKI2 subunit of superkiller complex; plus strand). Cytogenetic location: 6p21.33.
Variant type: single nucleotide variant.
Coding change: c.3116G>A on transcript NM_006929.5 (MANE Select); coding-DNA position 3116, G replaced by A.
Protein change: p.Arg1039Gln; replaces arginine 1039 with glutamine.
Molecular consequence: missense variant.
Genome position (GRCh38, 1-based): chr6:31,968,732, G>A. VCF-style: chr6-31968732-G-A. GRCh37 (hg19) VCF-style: chr6-31936509-G-A.
Other names: short protein forms R1039Q.
Identifiers: ClinVar variation 3025926 (VCV003025926.22), dbSNP rs201839019, ClinGen allele CA3729976.